The following is an entry in ClinVar:

NM_001048174.2(MUTYH):c.788C>G (p.Thr263Ser)

Gene: MUTYH (mutY DNA glycosylase; minus strand). Cytogenetic location: 1p34.1.
Variant type: single nucleotide variant.
Coding change: c.788C>G on transcript NM_001048174.2 (MANE Select); coding-DNA position 788, C replaced by G.
Protein change: p.Thr263Ser; replaces threonine 263 with serine.
Molecular consequence: missense variant. On other transcripts: non-coding transcript variant (7).
Genome position (GRCh38, 1-based): chr1:45,332,227, G>C on the plus strand (C>G on the coding strand, the complement: MUTYH is on the minus strand). VCF-style: chr1-45332227-G-C. GRCh37 (hg19) VCF-style: chr1-45797899-G-C.
Other names: c.788C>G, p.Thr263Ser (NM_001048171.2, NM_001048173.2, NM_001293195.2 and 6 more transcripts); c.791C>G, p.Thr264Ser (NM_001048172.2, NM_001407071.1, NM_001407078.1 and 1 more transcripts); c.872C>G, p.Thr291Ser (NM_001128425.2); c.833C>G, p.Thr278Ser (NM_001293190.2); c.821C>G, p.Thr274Ser (NM_001293191.2, NM_001407069.1, NM_001407077.1); c.512C>G, p.Thr171Ser (NM_001293192.2, NM_001293196.2, NM_001407091.1); c.443C>G, p.Thr148Ser (NM_001350650.2, NM_001350651.2, NM_001407082.1); c.704C>G, p.Thr235Ser (NM_001407075.1); and 5 more; short protein forms T235S, T249S, T250S, T263S, T264S, T288S, T171S, T270S.
Identifiers: ClinVar variation 4113874 (VCV004113874.1).

ClinVar aggregate classification (germline): Uncertain significance (1 of 4 stars; one submission).

Conditions:
Hereditary cancer-predisposing syndrome. Also called: Hereditary neoplastic syndrome; Neoplastic Syndromes, Hereditary; Tumor predisposition; Hereditary Cancer Syndrome. Identifiers: Orphanet 140162, MedGen C0027672, MeSH D009386, MONDO:0015356.

Submission:

Ambry Genetics
Classification: Uncertain significance for Hereditary cancer-predisposing syndrome. Last evaluated: 2025-08-27. Review status: criteria provided, single submitter. Criteria: Ambry Variant Classification Scheme 2023. Collection method: clinical testing. Allele origin: germline.
Comment: The p.T291S variant (also known as c.872C>G), located in coding exon 10 of the MUTYH gene, results from a C to G substitution at nucleotide position 872. The threonine at codon 291 is replaced by serine, an amino acid with similar properties. This amino acid position is conserved. In addition, the in silico prediction for this alteration is inconclusive. Based on the available evidence, the clinical significance of this variant remains unclear.